The following is an entry in ClinVar:

NM_018943.3(TUBA8):c.901C>G (p.Gln301Glu)

Gene: TUBA8 (tubulin alpha 8; plus strand). Cytogenetic location: 22q11.21.
Variant type: single nucleotide variant.
Coding change: c.901C>G on transcript NM_018943.3 (MANE Select); coding-DNA position 901, C replaced by G.
Protein change: p.Gln301Glu; replaces glutamine 301 with glutamic acid.
Molecular consequence: missense variant.
Genome position (GRCh38, 1-based): chr22:18,126,879, C>G. VCF-style: chr22-18126879-C-G. GRCh37 (hg19) VCF-style: chr22-18609646-C-G.
Other names: c.703C>G, p.Gln235Glu (NM_001193414.2); short protein forms Q235E, Q301E.
Identifiers: ClinVar variation 1708649 (VCV001708649.2), dbSNP rs2517709415, ClinGen allele CA410264925.
Genomic context (GRCh38, chr22:18,126,879, plus strand): 5'-GCCTATCACGAACAGCTCTCTGTGGCCGAGATAACCAGCTCCTGCTTTGAGCCCAACAGC[C>G]AGATGGTGAAGTGCGACCCGAGACATGGCAAGTACATGGCCTGCTGCATGCTCTACCGGG-3'
Protein context (NP_061816.1, residues 291-311): ITSSCFEPNS[Gln301Glu]MVKCDPRHGK

ClinVar aggregate classification (germline): Uncertain significance (1 of 4 stars; one submission).

Submission:

GeneDx
Classification: Uncertain significance. Last evaluated: 2022-04-06. Review status: criteria provided, single submitter. Criteria: GeneDx Variant Classification Process June 2021. Collection method: clinical testing. Allele origin: germline. Affected: yes.
Comment: Not observed at significant frequency in large population cohorts (gnomAD); In silico analysis supports that this missense variant does not alter protein structure/function; Has not been previously published as pathogenic or benign to our knowledge